The following is an entry in ClinVar:

NM_004612.4(TGFBR1):c.1137G>A (p.Met379Ile)

Gene: TGFBR1 (transforming growth factor beta receptor 1; plus strand). Cytogenetic location: 9q22.33.
Variant type: single nucleotide variant.
Coding change: c.1137G>A on transcript NM_004612.4 (MANE Select); coding-DNA position 1137, G replaced by A.
Protein change: p.Met379Ile; replaces methionine 379 with isoleucine.
Molecular consequence: missense variant. On other transcripts: non-coding transcript variant (1).
Genome position (GRCh38, 1-based): chr9:99,146,491, G>A. VCF-style: chr9-99146491-G-A. GRCh37 (hg19) VCF-style: chr9-101908773-G-A.
Other names: c.930G>A, p.Met310Ile (NM_001407426.1, NM_001407427.1, NM_001407428.1 and 8 more transcripts); c.906G>A, p.Met302Ile (NM_001407435.1, NM_001130916.3); c.891G>A, p.Met297Ile (NM_001407436.1); c.429G>A, p.Met143Ile (NM_001407437.1); c.1149G>A, p.Met383Ile (NM_001306210.2); c.660G>A, p.Met220Ile (NM_001407438.1); c.981G>A, p.Met327Ile (NM_001407416.1); c.969G>A, p.Met323Ile (NM_001407417.1); and 1 more; short protein forms M220I, M310I, M327I, M143I, M302I, M323I, M383I, M297I.
Identifiers: ClinVar variation 4843195 (VCV004843195.1).

ClinVar aggregate classification (germline): Uncertain significance (1 of 4 stars; one submission).

Conditions:
Familial thoracic aortic aneurysm and aortic dissection (TAAD). Also called: Thoracic aortic aneurysms and dissections. Identifiers: Orphanet 91387, MedGen C4707243, MONDO:0019625.

Submission:

Ambry Genetics
Classification: Uncertain significance for Familial thoracic aortic aneurysm and aortic dissection. Last evaluated: 2025-12-30. Review status: criteria provided, single submitter. Criteria: Ambry Variant Classification Scheme 2023. Collection method: clinical testing. Allele origin: germline.
Comment: The p.M379I variant (also known as c.1137G>A), located in coding exon 7 of the TGFBR1 gene, results from a G to A substitution at nucleotide position 1137. The methionine at codon 379 is replaced by isoleucine, an amino acid with highly similar properties. This amino acid position is highly conserved in available vertebrate species. In addition, this alteration is predicted to be deleterious by in silico analysis. Based on the available evidence, the clinical significance of this variant remains unclear.